The following is an entry in ClinVar:

ClinVar aggregate classification (germline): Conflicting classifications of pathogenicity. Review status: criteria provided, conflicting classifications (1 of 4 stars). 7 submissions from 7 submitters: Uncertain significance (5); Likely benign (2). Last evaluated 2026-03-18.

Conditions:
Hearing loss, autosomal recessive. Also called: Deafness, autosomal recessive; Rare autosomal recessive non-syndromic sensorineural deafness type DFNB; Nonsyndromic Hearing Loss, Recessive; Autosomal recessive nonsyndromic deafness. Identifiers: Orphanet 90635, Orphanet 90636, MedGen C1846647, MONDO:0019588, OMIM 607197.
Autosomal recessive nonsyndromic hearing loss 84A. Also called: DEAFNESS, AUTOSOMAL RECESSIVE 84A; DEAFNESS, AUTOSOMAL RECESSIVE 84A, WITH VESTIBULAR DYSFUNCTION. Identifiers: Orphanet 90636, MedGen C3150654, MONDO:0013249, OMIM 613391.
PTPRQ-related disorder. Also called: PTPRQ-related condition.

Allele frequency attached by ClinVar (database versions not stated): 1000 Genomes Project 0.00020; ExAC 0.00020; gnomAD 0.00032 and 0.00036; gnomAD exomes 0.00038 and 0.00059; ESP Exome Variant Server 0.00044; 1000 Genomes Project 30x 0.00047; TOPMed 0.00051.

Submissions (7):

PreventionGenetics, part of Exact Sciences
Classification: Uncertain significance for PTPRQ-related condition. Last evaluated: 2026-03-18. Review status: criteria provided, single submitter. Criteria: ACMG Guidelines, 2015. Collection method: clinical testing. Allele origin: germline.
Comment: The PTPRQ c.937G>A variant is predicted to result in the amino acid substitution p.Val313Ile. This variant was reported along with a second PTPRQ variant (p.Gln1050Lys) in an individual with hearing loss (Imizcoz et al. 2023. PubMed ID: 37811145). This variant is reported in 0.24% of alleles in individuals of East Asian descent in gnomAD, which is likely too high for disease causing variant. Although we suspect that this variant is benign, at this time, the clinical significance of this variant is uncertain due to the absence of conclusive functional and genetic evidence.

Medical Genetics Clinic, University of Catania
Classification: Uncertain significance for Autosomal recessive nonsyndromic hearing loss 84A. Last evaluated: 2025-12-03. Review status: criteria provided, single submitter. Criteria: ACMG Guidelines, 2015. Collection method: clinical testing. Allele origin: unknown. Inheritance: Autosomal recessive inheritance. Affected: yes. Observed: 1 compound heterozygote.
Comment: The c.937G>A variant in the PTPRQ gene is located in the exon 7 of 45 and it causes the substitution of a Valine at position 313 with a Isoleucine (V313I). In silico prediction tools suggest that this variant is likely to be tolerated for the structure/activity of the protein. It’s a very rare variant in gnomAD (0.0586% in gnomAD-Exome). In the light of the above the c.937G>A variant in the PTPRQ gene has been classified as a Variant of Uncertain Significance

CeGaT Center for Human Genetics Tuebingen
Classification: Likely benign. Last evaluated: 2025-02-01. Review status: criteria provided, single submitter. Criteria: CeGaT Center For Human Genetics Tuebingen Variant Classification Criteria Version 2. Collection method: clinical testing. Allele origin: germline. Affected: yes. Observed: 1 variant allele.
Comment: PTPRQ: BP4, BS1

Blueprint Genetics
Classification: Likely benign. Last evaluated: 2024-05-06. Review status: criteria provided, single submitter. Criteria: ACMG Guidelines, 2015. Collection method: clinical testing. Allele origin: germline.

Department of Pathology and Laboratory Medicine, Sinai Health System
Classification: Uncertain significance for hearing loss, autosomal recessive. Last evaluated: 2022-12-05. Review status: criteria provided, single submitter. Criteria: ACMG Guidelines, 2015. Collection method: research. Allele origin: germline.

GeneDx
Classification: Uncertain significance. Last evaluated: 2021-07-20. Review status: criteria provided, single submitter. Criteria: GeneDx Variant Classification Process June 2021. Collection method: clinical testing. Allele origin: germline. Affected: yes.
Comment: In silico analysis, which includes protein predictors and evolutionary conservation, supports that this variant does not alter protein structure/function; Has not been previously published as pathogenic or benign to our knowledge; This variant is associated with the following publications: (PMID: 27535533)

Breakthrough Genomics
Classification: Uncertain significance. Review status: criteria provided, single submitter. Criteria: ACMG Guidelines, 2015. Collection method: not provided. Allele origin: germline. Inheritance: Autosomal recessive inheritance. Affected: yes.

NM_001145026.2(PTPRQ):c.937G>A (p.Val313Ile)

Gene: PTPRQ (protein tyrosine phosphatase receptor type Q; plus strand). Cytogenetic location: 12q21.31.
Variant type: single nucleotide variant.
Coding change: c.937G>A on transcript NM_001145026.2 (MANE Select); coding-DNA position 937, G replaced by A.
Protein change: p.Val313Ile; replaces valine 313 with isoleucine.
Molecular consequence: missense variant.
Genome position (GRCh38, 1-based): chr12:80,468,736, G>A. VCF-style: chr12-80468736-G-A. GRCh37 (hg19) VCF-style: chr12-80862515-G-A.
Other names: short protein forms V313I.
Identifiers: ClinVar variation 1254579 (VCV001254579.20), dbSNP rs370185461, ClinGen allele CA6702368.
Genomic context (GRCh38, chr12:80,468,736, plus strand): 5'-TATGTTATGTATTTATTTTCTATAATTATTTTAGTGCCTGAAGGACCACCACAAAACTGC[G>A]TAACAGGCAACATCACAGGAAAGTCCTTTTCAATTTTATGGGACCCACCAACTATAGTAA-3'
Protein context (NP_001138498.1, residues 303-323): SVPEGPPQNC[Val313Ile]TGNITGKSFS